The following is an entry in ClinVar:

NM_001440.4(EXTL3):c.97A>T (p.Ser33Cys)

Gene: EXTL3 (exostosin like glycosyltransferase 3; plus strand). Cytogenetic location: 8p21.1.
Variant type: single nucleotide variant.
Coding change: c.97A>T on transcript NM_001440.4 (MANE Select); coding-DNA position 97, A replaced by T.
Protein change: p.Ser33Cys; replaces serine 33 with cysteine.
Molecular consequence: missense variant.
Genome position (GRCh38, 1-based): chr8:28,716,156, A>T. VCF-style: chr8-28716156-A-T. GRCh37 (hg19) VCF-style: chr8-28573673-A-T.
Other names: short protein forms S33C.
Identifiers: ClinVar variation 1358371 (VCV001358371.8), dbSNP rs1471389911, ClinGen allele CA370853032.

ClinVar aggregate classification (germline): Uncertain significance (1 of 4 stars; one submission).

Allele frequency attached by ClinVar (database versions not stated): TOPMed below 0.00001; gnomAD 0.00001.
gnomAD v4.1: 1 of 1,614,020 alleles (0.000062%); highest among the groups gnomAD compares: Non-Finnish European, 0.000085%; no homozygotes.

Submission:

Labcorp Genetics (formerly Invitae), Labcorp
Classification: Uncertain significance. Last evaluated: 2022-08-09. Review status: criteria provided, single submitter. Criteria: Invitae Variant Classification Sherloc (09022015). Collection method: clinical testing. Allele origin: germline.
Comment: This variant is not present in population databases (gnomAD no frequency). In summary, the available evidence is currently insufficient to determine the role of this variant in disease. Therefore, it has been classified as a Variant of Uncertain Significance. Algorithms developed to predict the effect of missense changes on protein structure and function are either unavailable or do not agree on the potential impact of this missense change (SIFT: "Deleterious"; PolyPhen-2: "Benign"; Align-GVGD: "Class C0"). ClinVar contains an entry for this variant (Variation ID: 1358371). This variant has not been reported in the literature in individuals affected with EXTL3-related conditions. This sequence change replaces serine, which is neutral and polar, with cysteine, which is neutral and slightly polar, at codon 33 of the EXTL3 protein (p.Ser33Cys).